The following is an entry in ClinVar:

ClinVar aggregate classification (germline): Likely pathogenic (0 of 4 stars; one submission).

Conditions:
Seizure. Also called: Seizures. Identifiers: MedGen C0036572, HP:0001250.

Submission:

Medical Genetics Lab, Policlinico S. Orsola.Malpighi
Classification: Likely pathogenic. Last evaluated: 2018-05-01. Review status: no assertion criteria provided. Collection method: clinical testing. Allele origin: de novo. Inheritance: X-linked recessive inheritance. Affected: yes.
Comment: This is a small, rare duplication. The duplication involves seven OMIM genes, mutations in two (KIF4A and DLG3) cause intellectual disability and seizures in males. ClinVar reports a similar duplication (nsv931013) in a patient with seizures and autistic behavior, defined as of uncertain significance.

Literature cited by the submitters: DOI 10.1016/j.gene.2019.05.007.

Single allele

Genes: GDPD2 (glycerophosphodiester phosphodiesterase domain containing 2; plus strand), DLG3 (discs large MAGUK scaffold protein 3; plus strand), RAB41 (RAB41, member RAS oncogene family; plus strand), ARR3 (arrestin 3; plus strand), PDZD11 (PDZ domain containing 11; minus strand) and 2 more. Cytogenetic location: Xq13.1.
Variant type: Duplication.
Identifiers: ClinVar variation 559404 (VCV000559404.2).